The following is an entry in ClinVar:

NM_004304.5(ALK):c.58G>A (p.Gly20Ser)

Gene: ALK (ALK receptor tyrosine kinase; minus strand). Cytogenetic location: 2p23.1.
Variant type: single nucleotide variant.
Coding change: c.58G>A on transcript NM_004304.5 (MANE Select); coding-DNA position 58, G replaced by A.
Protein change: p.Gly20Ser; replaces glycine 20 with serine.
Molecular consequence: missense variant.
Genome position (GRCh38, 1-based): chr2:29,920,602, C>T on the plus strand (G>A on the coding strand, the complement: ALK is on the minus strand). VCF-style: chr2-29920602-C-T. GRCh37 (hg19) VCF-style: chr2-30143468-C-T.
Other names: c.58G>A (NM_004304.4); short protein forms G20S.
Identifiers: ClinVar variation 2730213 (VCV002730213.5), dbSNP rs1667970548, ClinGen allele CA346590773.
Genomic context (GRCh38, chr2:29,920,602, plus strand): 5'-GCTGCAGCGGCGGCCCCGCAGCTGGGGAGCCCGCGCGCTGGCCGGTCCCCATCCCGGAGC[C>T]CACAGCTGCCGTGGAAAGCAGCAGCGGCAGGAGCCACAGGAGCCCGATGGCTCCCATCCC-3'
Protein context (NP_004295.2, residues 10-30): LPLLLSTAAV[Gly20Ser]SGMGTGQRAG

ClinVar aggregate classification (germline): Conflicting classifications of pathogenicity. Review status: criteria provided, conflicting classifications (1 of 4 stars). 3 submissions from 3 submitters: Uncertain significance (2); Likely benign (1). Last evaluated 2025-07-18.

Conditions:
Hereditary cancer-predisposing syndrome. Also called: Hereditary neoplastic syndrome; Hereditary Cancer Syndrome; Neoplastic Syndromes, Hereditary; Tumor predisposition. Identifiers: Orphanet 140162, MedGen C0027672, MeSH D009386, MONDO:0015356.
Neuroblastoma, susceptibility to, 3. Also called: ALK-Related Neuroblastic Tumor Susceptibility. Identifiers: Orphanet 635, MedGen C2751681, MONDO:0013083, OMIM 613014.

Submissions (3):

Ambry Genetics
Classification: Likely benign for Hereditary cancer-predisposing syndrome. Last evaluated: 2025-07-18. Review status: criteria provided, single submitter. Criteria: Ambry Variant Classification Scheme 2023. Collection method: clinical testing. Allele origin: germline.

Labcorp Genetics (formerly Invitae), Labcorp
Classification: Uncertain significance for Neuroblastoma, susceptibility to, 3. Last evaluated: 2025-05-07. Review status: criteria provided, single submitter. Criteria: Invitae Variant Classification Sherloc (09022015). Collection method: clinical testing. Allele origin: germline.
Comment: This sequence change replaces glycine, which is neutral and non-polar, with serine, which is neutral and polar, at codon 20 of the ALK protein (p.Gly20Ser). This variant is not present in population databases (gnomAD no frequency). This variant has not been reported in the literature in individuals affected with ALK-related conditions. ClinVar contains an entry for this variant (Variation ID: 2730213). An algorithm developed to predict the effect of missense changes on protein structure and function outputs the following: PolyPhen-2: "Benign". The serine amino acid residue is found in multiple mammalian species, which suggests that this missense change does not adversely affect protein function. In summary, the available evidence is currently insufficient to determine the role of this variant in disease. Therefore, it has been classified as a Variant of Uncertain Significance.

GeneDx
Classification: Uncertain significance. Last evaluated: 2024-07-02. Review status: criteria provided, single submitter. Criteria: GeneDx Variant Classification Process June 2021. Collection method: clinical testing. Allele origin: germline. Affected: yes.
Comment: Not observed at significant frequency in large population cohorts (gnomAD); In silico analysis indicates that this missense variant does not alter protein structure/function; Has not been previously published as pathogenic or benign to our knowledge